The following is an entry in ClinVar:

ClinVar aggregate classification (germline): Likely benign (0 of 4 stars; one submission).

Conditions:
KMT2D-related disorder. Also called: KMT2D-Related Disorders.

Allele frequency attached by ClinVar (database versions not stated): gnomAD exomes below 0.00001; gnomAD 0.00001; TOPMed 0.00001.
gnomAD v4.1: 4 of 1,613,604 alleles (0.00025%); highest among the groups gnomAD compares: African/African-American, 0.0053%; no homozygotes.

Submission:

PreventionGenetics, part of Exact Sciences
Classification: Likely benign for KMT2D-related condition. Last evaluated: 2022-11-13. Review status: no assertion criteria provided. Collection method: clinical testing. Allele origin: germline.
Comment: This variant is classified as likely benign based on ACMG/AMP sequence variant interpretation guidelines (Richards et al. 2015 PMID: 25741868, with internal and published modifications).

NM_003482.4(KMT2D):c.6951T>C (p.Gly2317=)

Gene: KMT2D (lysine methyltransferase 2D; minus strand). Cytogenetic location: 12q13.12.
Variant type: single nucleotide variant.
Coding change: c.6951T>C on transcript NM_003482.4 (MANE Select); coding-DNA position 6951, T replaced by C.
Protein change: p.Gly2317=; no amino-acid change (glycine 2317 retained).
Molecular consequence: synonymous variant.
Genome position (GRCh38, 1-based): chr12:49,040,819, A>G on the plus strand (T>C on the coding strand, the complement: KMT2D is on the minus strand). VCF-style: chr12-49040819-A-G. GRCh37 (hg19) VCF-style: chr12-49434602-A-G.
Identifiers: ClinVar variation 3036025 (VCV003036025.2), dbSNP rs1201194026, ClinGen allele CA479711922.